The following is an entry in ClinVar:

NM_021975.4(RELA):c.1587A>G (p.Ser529=)

Gene: RELA (RELA proto-oncogene, NF-kB subunit; minus strand). Cytogenetic location: 11q13.1.
Variant type: single nucleotide variant.
Coding change: c.1587A>G on transcript NM_021975.4 (MANE Select); coding-DNA position 1587, A replaced by G.
Protein change: p.Ser529=; no amino-acid change (serine 529 retained).
Molecular consequence: synonymous variant.
Genome position (GRCh38, 1-based): chr11:65,654,447, T>C on the plus strand (A>G on the coding strand, the complement: RELA is on the minus strand). VCF-style: chr11-65654447-T-C. GRCh37 (hg19) VCF-style: chr11-65421918-T-C.
Other names: c.1578A>G, p.Ser526= (NM_001145138.2); c.1380A>G, p.Ser460= (NM_001243984.2); c.1278A>G, p.Ser426= (NM_001243985.2).
Identifiers: ClinVar variation 1623327 (VCV001623327.21), dbSNP rs748084685, ClinGen allele CA6106572.

ClinVar aggregate classification (germline): Likely benign. Review status: criteria provided, multiple submitters, no conflicts (2 of 4 stars). 2 submissions from 2 submitters: Likely benign (2). Last evaluated 2025-12-29.

Allele frequency attached by ClinVar (database versions not stated): gnomAD exomes below 0.00001 and 0.00001; ExAC 0.00001; gnomAD 0.00001; TOPMed 0.00001.
gnomAD v4.1: 8 of 1,609,890 alleles (0.0005%); highest among the groups gnomAD compares: African/African-American, 0.0027%; no homozygotes.

Submissions (2):

Labcorp Genetics (formerly Invitae), Labcorp
Classification: Likely benign. Last evaluated: 2025-12-29. Review status: criteria provided, single submitter. Criteria: Invitae Variant Classification Sherloc (09022015). Collection method: clinical testing. Allele origin: germline.

CeGaT Center for Human Genetics Tuebingen
Classification: Likely benign. Last evaluated: 2025-01-01. Review status: criteria provided, single submitter. Criteria: CeGaT Center For Human Genetics Tuebingen Variant Classification Criteria Version 2. Collection method: clinical testing. Allele origin: germline. Affected: yes. Observed: 1 variant allele.
Comment: RELA: BP4, BP7